The following is an entry in ClinVar:

NM_032380.5(GFM2):c.1220+9A>C

Gene: GFM2 (GTP dependent ribosome recycling factor mitochondrial 2; minus strand). Cytogenetic location: 5q13.3.
Variant type: single nucleotide variant.
Coding change: c.1220+9A>C on transcript NM_032380.5 (MANE Select); 9 bases into the intron after coding-DNA position 1220, A replaced by C.
Molecular consequence: intron variant.
Genome position (GRCh38, 1-based): chr5:74,738,493, T>G on the plus strand (A>C on the coding strand, the complement: GFM2 is on the minus strand). VCF-style: chr5-74738493-T-G. GRCh37 (hg19) VCF-style: chr5-74034318-T-G.
Other names: c.1080-76A>C (NM_170691.3); c.1316+9A>C (NM_001281302.2); c.1220+9A>C (NM_170681.3).
Identifiers: ClinVar variation 516099 (VCV000516099.11), dbSNP rs201204413, ClinGen allele CA3306589.

ClinVar aggregate classification (germline): Likely benign. Review status: criteria provided, multiple submitters, no conflicts (2 of 4 stars). 3 submissions from 3 submitters: Likely benign (3). Last evaluated 2026-01-09.

Allele frequency attached by ClinVar (database versions not stated): gnomAD exomes 0.00014 and 0.00039; ESP Exome Variant Server 0.00015; gnomAD 0.00022 and 0.00024; ExAC 0.00023; TOPMed 0.00030.
gnomAD v4.1: 256 of 1,611,136 alleles (0.016%); highest among the groups gnomAD compares: Admixed American, 0.093%; 1 homozygote.

Submissions (3):

Labcorp Genetics (formerly Invitae), Labcorp
Classification: Likely benign. Last evaluated: 2026-01-09. Review status: criteria provided, single submitter. Criteria: Invitae Variant Classification Sherloc (09022015). Collection method: clinical testing. Allele origin: germline.

Blueprint Genetics
Classification: Likely benign. Last evaluated: 2024-10-07. Review status: criteria provided, single submitter. Criteria: ACMG Guidelines, 2015. Collection method: clinical testing. Allele origin: germline.

GeneDx
Classification: Likely benign. Last evaluated: 2017-09-01. Review status: criteria provided, single submitter. Criteria: GeneDx Variant Classification (06012015). Collection method: clinical testing. Allele origin: germline. Affected: yes.
Comment: This variant is considered likely benign or benign based on one or more of the following criteria: it is a conservative change, it occurs at a poorly conserved position in the protein, it is predicted to be benign by multiple in silico algorithms, and/or has population frequency not consistent with disease.